The following is an entry in ClinVar:

ClinVar aggregate classification (germline): Uncertain significance (1 of 4 stars; one submission).

Allele frequency attached by ClinVar (database versions not stated): ExAC 0.00002; gnomAD exomes 0.00003; TOPMed 0.00012; gnomAD 0.00014 and 0.00016; ESP Exome Variant Server 0.00031.
gnomAD v4.1: 29 of 1,597,484 alleles (0.0018%); highest among the groups gnomAD compares: African/African-American, 0.031%; no homozygotes.

Submission:

Labcorp Genetics (formerly Invitae), Labcorp
Classification: Uncertain significance. Last evaluated: 2022-10-13. Review status: criteria provided, single submitter. Criteria: Invitae Variant Classification Sherloc (09022015). Collection method: clinical testing. Allele origin: germline.
Comment: This sequence change replaces arginine, which is basic and polar, with cysteine, which is neutral and slightly polar, at codon 45 of the GTPBP3 protein (p.Arg45Cys). This variant is present in population databases (rs372951195, gnomAD 0.03%). This variant has not been reported in the literature in individuals affected with GTPBP3-related conditions. ClinVar contains an entry for this variant (Variation ID: 1365630). Advanced modeling of protein sequence and biophysical properties (such as structural, functional, and spatial information, amino acid conservation, physicochemical variation, residue mobility, and thermodynamic stability) performed at Invitae indicates that this missense variant is not expected to disrupt GTPBP3 protein function. In summary, the available evidence is currently insufficient to determine the role of this variant in disease. Therefore, it has been classified as a Variant of Uncertain Significance.

NM_032620.4(GTPBP3):c.133C>T (p.Arg45Cys)

Gene: GTPBP3 (GTP binding protein 3, mitochondrial; plus strand). Cytogenetic location: 19p13.11.
Variant type: single nucleotide variant.
Coding change: c.133C>T on transcript NM_032620.4 (MANE Select); coding-DNA position 133, C replaced by T.
Protein change: p.Arg45Cys; replaces arginine 45 with cysteine.
Molecular consequence: missense variant.
Genome position (GRCh38, 1-based): chr19:17,338,087, C>T. VCF-style: chr19-17338087-C-T. GRCh37 (hg19) VCF-style: chr19-17448896-C-T.
Other names: c.133C>T, p.Arg45Cys (NM_001128855.3, NM_133644.4); c.199C>T, p.Arg67Cys (NM_001195422.1); short protein forms R67C, R45C.
Identifiers: ClinVar variation 1365630 (VCV001365630.5), dbSNP rs372951195, ClinGen allele CA9293240.
Genomic context (GRCh38, chr19:17,338,087, plus strand): 5'-AGCGGCGCACCAGCCCCCGGCTCCGGCGCCACCATCTTCGCGCTAAGCTCTGGCCAAGGC[C>T]GCTGCGGCATCGCAGTGATCCGGACCAGCGGCCCCGCCAGCGGCCACGCCCTCCGAATTC-3'
Protein context (NP_116009.2, residues 35-55): TIFALSSGQG[Arg45Cys]CGIAVIRTSG